The following is an entry in ClinVar:

ClinVar aggregate classification (germline): Conflicting classifications of pathogenicity. Review status: criteria provided, conflicting classifications (1 of 4 stars). 5 submissions from 5 submitters: Likely pathogenic (2); Uncertain significance (2). 1 of the submissions does not count toward it. Last evaluated 2026-01-20.

Conditions:
Nephrotic syndrome, type 2 (NPHS2). Also called: NEPHROTIC SYNDROME, STEROID-RESISTANT, AUTOSOMAL RECESSIVE. Identifiers: Orphanet 656, MedGen C1868672, MONDO:0010974, OMIM 600995.
Steroid-resistant nephrotic syndrome. Identifiers: MedGen C0403397, MONDO:0044765, HP:0012588.

Allele frequency attached by ClinVar (database versions not stated): TOPMed 0.00002.
gnomAD v4.1: 14 of 1,614,054 alleles (0.00087%); highest among the groups gnomAD compares: East Asian, 0.018%; no homozygotes.

Submissions (5):

Natera, Inc.
Classification: Likely pathogenic for Steroid-resistant nephrotic syndrome. Last evaluated: 2026-01-20. Review status: criteria provided, single submitter. Criteria: Natera Variant Classification Schema (03/2026). Collection method: clinical testing. Allele origin: germline.
Comment: The c.965G>A variant in NPHS2 is a missense variant predicted to cause substitution of arginine to glutamine at amino acid 322. This variant is rare in the general population with a frequency below the threshold expected for the associated phenotype(s). This variant has been observed in one or more individuals affected with the associated recessive disease, as either homozygous or compound heterozygous with a second variant (PMID: 35064937, 17899208). A different variant at the same position has been determined to be Pathogenic or Likely Pathogenic. Computational prediction algorithms indicate this variant is likely to affect gene or protein function. Given the available evidence, this variant is classified as Likely Pathogenic.

Baylor Genetics
Classification: Likely pathogenic for Nephrotic syndrome, type 2. Last evaluated: 2023-08-29. Review status: criteria provided, single submitter. Criteria: ACMG Guidelines, 2015. Collection method: clinical testing. Allele origin: unknown.

Genome-Nilou Lab
Classification: Uncertain significance for Nephrotic syndrome, type 2. Last evaluated: 2023-04-11. Review status: criteria provided, single submitter. Criteria: ACMG Guidelines, 2015. Collection method: clinical testing. Allele origin: germline. Affected: no.

Fulgent Genetics
Classification: Uncertain significance for Nephrotic syndrome, type 2. Last evaluated: 2022-05-08. Review status: criteria provided, single submitter. Criteria: ACMG Guidelines, 2015. Collection method: clinical testing. Allele origin: unknown.

Counsyl
Classification: Uncertain significance for Nephrotic syndrome, type 2. Last evaluated: 2017-12-28. Review status: no assertion criteria provided. Collection method: clinical testing. Allele origin: unknown. Not counted in ClinVar's aggregate classification.

Literature cited by the submitters: PubMed 35064937 (cited by Natera, Inc.); PubMed 17899208 (cited by Natera, Inc. and Counsyl).

NM_014625.4(NPHS2):c.965G>A (p.Arg322Gln)

Genes: AXDND1 (axonemal dynein light chain domain containing 1; plus strand), NPHS2 (NPHS2 stomatin family member, podocin; minus strand). Cytogenetic location: 1q25.2.
Variant type: single nucleotide variant.
Coding change: c.965G>A on transcript NM_014625.4 (MANE Select); coding-DNA position 965, G replaced by A.
Protein change: p.Arg322Gln; replaces arginine 322 with glutamine.
Molecular consequence: missense variant. On other transcripts: intron variant (1).
Genome position (GRCh38, 1-based): chr1:179,551,360, C>T on the plus strand (G>A on the coding strand, the complement: NPHS2 is on the minus strand). VCF-style: chr1-179551360-C-T. GRCh37 (hg19) VCF-style: chr1-179520495-C-T.
Other names: c.761G>A, p.Arg254Gln (NM_001297575.2); c.3032-3152C>T (NM_144696.6); short protein forms R322Q, R254Q.
Identifiers: ClinVar variation 555850 (VCV000555850.6), dbSNP rs776859868, ClinGen allele CA1267052.